The following is an entry in ClinVar:

ClinVar aggregate classification (germline): Uncertain significance (1 of 4 stars; one submission).

Submission:

Labcorp Genetics (formerly Invitae), Labcorp
Classification: Uncertain significance. Last evaluated: 2024-01-29. Review status: criteria provided, single submitter. Criteria: Invitae Variant Classification Sherloc (09022015). Collection method: clinical testing. Allele origin: germline.
Comment: This variant, c.207_221dup, results in the insertion of 5 amino acid(s) of the FOXI3 protein (p.Ala70_Ala74dup), but otherwise preserves the integrity of the reading frame. The frequency data for this variant in the population databases is considered unreliable, as metrics indicate insufficient coverage at this position in the gnomAD database. This variant has not been reported in the literature in individuals affected with FOXI3-related conditions. ClinVar contains an entry for this variant (Variation ID: 2420606). Experimental studies and prediction algorithms are not available or were not evaluated, and the functional significance of this variant is currently unknown. In summary, the available evidence is currently insufficient to determine the role of this variant in disease. Therefore, it has been classified as a Variant of Uncertain Significance.

NM_001135649.3(FOXI3):c.207_221dup (p.Ala74_Tyr75insAlaAlaAlaAlaAla)

Gene: FOXI3 (forkhead box I3; minus strand). Cytogenetic location: 2p11.2.
Variant type: Duplication.
Coding change: c.207_221dup on transcript NM_001135649.3 (MANE Select); coding-DNA positions 207 to 221, 15 bases duplicated (CGCAGCCGCCGCCGC).
Protein change: p.Ala74_Tyr75insAlaAlaAlaAlaAla.
Molecular consequence: inframe insertion.
Genome position (GRCh38, 1-based): chr2:88,452,315-88,452,329, GCGGCGGCGGCTGCG duplicated on the plus strand (CGCAGCCGCCGCCGC on the coding strand, the reverse complement: FOXI3 is on the minus strand); duplicating any 15 consecutive bases within chr2:88,452,315-88,452,339 gives the same sequence; the c. name uses the placement nearest the transcript's 3' end. VCF-style (leftmost placement, unchanged base first): chr2-88452314-C-CGCGGCGGCGGCTGCG. GRCh37 (hg19) VCF-style: chr2-88751832-C-CGCGGCGGCGGCTGCG.
Identifiers: ClinVar variation 2420606 (VCV002420606.6), dbSNP rs1439590169, ClinGen allele CA916587742.